The following is an entry in ClinVar:

ClinVar aggregate classification (germline): Uncertain significance. Review status: criteria provided, multiple submitters, no conflicts (2 of 4 stars). 3 submissions from 3 submitters: Uncertain significance (2). 1 of the submissions does not count toward it. Last evaluated 2026-03-30.

Conditions:
Finnish congenital nephrotic syndrome (NPHS1). Also called: NEPHROTIC SYNDROME, TYPE 1. Identifiers: Orphanet 839, MedGen C0403399, MONDO:0009732, OMIM 256300.

Allele frequency attached by ClinVar (database versions not stated): gnomAD exomes below 0.00001; TOPMed below 0.00001; gnomAD 0.00001.
gnomAD v4.1: 2 of 1,613,986 alleles (0.00012%); highest among the groups gnomAD compares: African/African-American, 0.0013%; no homozygotes.

Submissions (3):

Myriad Genetics, Inc.
Classification: Uncertain significance for Finnish congenital nephrotic syndrome. Last evaluated: 2026-03-30. Review status: criteria provided, single submitter. Criteria: Myriad Autosomal Dominant, Autosomal Recessive and X-Linked Classification Criteria (2023). Collection method: clinical testing. Allele origin: unknown.
Comment: NM_004646.3(NPHS1):c.2815+3A>G is an intronic variant classified as a variant of uncertain significance in the context of nephrotic syndrome, NPHS1-related. c.2815+3A>G has been observed in a case with relevant disease (PMID: 25349199). Relevant functional assessments of this variant are not available in the literature. c.2815+3A>G has not been observed in referenced population frequency databases. In summary, there is insufficient evidence to classify NM_004646.3(NPHS1):c.2815+3A>G as pathogenic or benign. Please note: this variant was assessed in the context of healthy population screening.

3billion
Classification: Uncertain significance for Finnish congenital nephrotic syndrome. Last evaluated: 2024-12-26. Review status: criteria provided, single submitter. Criteria: ACMG Guidelines, 2015. Collection method: clinical testing. Allele origin: germline. Affected: yes.
Comment: The variant is observed at an extremely low frequency in the gnomAD v4.1.0 dataset (total allele frequency: <0.001%). Predicted Consequence/Location: Intron variant In silico tools predict the variant to alter splicing and produce an abnormal transcript [SpliceAI: 0.79 (>=0.2, moderate evidence for spliceogenicity)]. The variant has been reported to be associated with NPHS1-related disorder (PMID: 25349199). However, the evidence of pathogenicity is insufficient at this time. Therefore, this variant is classified as VUS according to the recommendation of ACMG/AMP guideline.

Counsyl
Classification: Uncertain significance for Finnish congenital nephrotic syndrome. Last evaluated: 2017-10-17. Review status: no assertion criteria provided. Collection method: clinical testing. Allele origin: unknown. Not counted in ClinVar's aggregate classification.

Literature cited by the submitters: PubMed 25349199 (cited by 3 submitters).

NM_004646.4(NPHS1):c.2815+3A>G

Gene: NPHS1 (NPHS1 adhesion molecule, nephrin; minus strand). Cytogenetic location: 19q13.12.
Variant type: single nucleotide variant.
Coding change: c.2815+3A>G on transcript NM_004646.4 (MANE Select); 3 bases into the intron after coding-DNA position 2815, A replaced by G.
Molecular consequence: intron variant.
Genome position (GRCh38, 1-based): chr19:35,841,712, T>C on the plus strand (A>G on the coding strand, the complement: NPHS1 is on the minus strand). VCF-style: chr19-35841712-T-C. GRCh37 (hg19) VCF-style: chr19-36332614-T-C.
Identifiers: ClinVar variation 554409 (VCV000554409.6), dbSNP rs1223946044, ClinGen allele CA658824410.
Genomic context (GRCh38, chr19:35,841,712, plus strand): 5'-CAGGGATGTGGGAATGGATCCAGGGAGCACCCCCTCCCCAACACCCTCACAGCCCCTCCA[T>C]ACTGATGCTGACAAGTTGAATGTTGGTTTGGTCCGAGCCAAGGGCGTTGGTGGCTGTACA-3'